The following is an entry in ClinVar:

NM_006015.6(ARID1A):c.261_278dup (p.Ala88_Gly93dup)

Gene: ARID1A (AT-rich interaction domain 1A; plus strand). Cytogenetic location: 1p36.11.
Variant type: Duplication.
Coding change: c.261_278dup on transcript NM_006015.6 (MANE Select); coding-DNA positions 261 to 278, 18 bases duplicated (AGCCGGCAGCGGCGGCGG).
Protein change: p.Ala88_Gly93dup.
Molecular consequence: inframe insertion.
Genome position (GRCh38, 1-based): chr1:26,696,664-26,696,681, AGCCGGCAGCGGCGGCGG duplicated; duplicating any 18 consecutive bases within chr1:26,696,654-26,696,681 gives the same sequence; the c. name uses the placement nearest the transcript's 3' end. VCF-style (leftmost placement, unchanged base first): chr1-26696653-G-GGCGGCGGCGGAGCCGGCA. GRCh37 (hg19) VCF-style: chr1-27023144-G-GGCGGCGGCGGAGCCGGCA.
Other names: c.261_278dup, p.Ala88_Gly93dup (NM_139135.4).
Identifiers: ClinVar variation 592018 (VCV000592018.13), dbSNP rs749452696, ClinGen allele CA521909949.
Genomic context (GRCh38, chr1:26,696,653, plus strand): 5'-GGGCCGCCGCAGCCGCTGGGAAAGGAGCTGCAGGACGGGGCCGAGAGCAATGGGGGTGGC[G>GGCGGCGGCGGAGCCGGCA]GCGGCGGCGGAGCCGGCAGCGGCGGCGGGCCCGGCGCGGAGCCGGACCTGAAGAACTCGA-3'

ClinVar aggregate classification (germline): Conflicting classifications of pathogenicity. Review status: criteria provided, conflicting classifications (1 of 4 stars). 3 submissions from 3 submitters: Uncertain significance (1); Likely benign (1). 1 of the submissions does not count toward it. Last evaluated 2025-11-25.

Submissions (3):

Labcorp Genetics (formerly Invitae), Labcorp
Classification: Uncertain significance. Last evaluated: 2025-11-25. Review status: criteria provided, single submitter. Criteria: Invitae Variant Classification Sherloc (09022015). Collection method: clinical testing. Allele origin: germline.
Comment: This variant, c.261_278dup, results in the insertion of 6 amino acid(s) of the ARID1A protein (p.Ala88_Gly93dup), but otherwise preserves the integrity of the reading frame. This variant is present in population databases (no rsID available, gnomAD 0.01%). This variant has not been reported in the literature in individuals affected with ARID1A-related conditions. ClinVar contains an entry for this variant (Variation ID: 592018). In summary, the available evidence is currently insufficient to determine the role of this variant in disease. Therefore, it has been classified as a Variant of Uncertain Significance.

CeGaT Center for Human Genetics Tuebingen
Classification: Likely benign. Last evaluated: 2025-07-01. Review status: criteria provided, single submitter. Criteria: CeGaT Center For Human Genetics Tuebingen Variant Classification Criteria Version 2. Collection method: clinical testing. Allele origin: germline. Affected: yes. Observed: 1 variant allele.
Comment: ARID1A: BS2

Gharavi Laboratory, Columbia University
Classification: Uncertain significance. Last evaluated: 2018-09-16. Review status: no assertion criteria provided. Criteria: ACMG Guidelines, 2015. Collection method: research. Allele origin: germline. Affected: yes. Not counted in ClinVar's aggregate classification.